The following is an entry in ClinVar:

ClinVar aggregate classification (germline): Uncertain significance (1 of 4 stars; one submission).

Allele frequency attached by ClinVar (database versions not stated): gnomAD exomes below 0.00001; TOPMed 0.00001.
gnomAD v4.1: 2 of 1,613,684 alleles (0.00012%); highest among the groups gnomAD compares: Non-Finnish European, 0.00017%; no homozygotes.

Submission:

Labcorp Genetics (formerly Invitae), Labcorp
Classification: Uncertain significance. Last evaluated: 2022-01-13. Review status: criteria provided, single submitter. Criteria: Invitae Variant Classification Sherloc (09022015). Collection method: clinical testing. Allele origin: germline.
Comment: This sequence change falls in intron 3 of the IMPG2 gene. It does not directly change the encoded amino acid sequence of the IMPG2 protein. It affects a nucleotide within the consensus splice site. This variant is present in population databases (no rsID available, gnomAD 0.0009%). This variant has been observed in individual(s) with clinical features of Retinitis pigmentosa (Invitae). ClinVar contains an entry for this variant (Variation ID: 1025772). Variants that disrupt the consensus splice site are a relatively common cause of aberrant splicing (PMID: 17576681, 9536098). Algorithms developed to predict the effect of sequence changes on RNA splicing suggest that this variant may disrupt the consensus splice site. In summary, the available evidence is currently insufficient to determine the role of this variant in disease. Therefore, it has been classified as a Variant of Uncertain Significance.

Literature cited by the submitters: PubMed 17576681; PubMed 9536098.

NM_016247.4(IMPG2):c.501+3A>T

Gene: IMPG2 (interphotoreceptor matrix proteoglycan 2; minus strand). Cytogenetic location: 3q12.3.
Variant type: single nucleotide variant.
Coding change: c.501+3A>T on transcript NM_016247.4 (MANE Select); 3 bases into the intron after coding-DNA position 501, A replaced by T.
Molecular consequence: intron variant.
Genome position (GRCh38, 1-based): chr3:101,304,143, T>A on the plus strand (A>T on the coding strand, the complement: IMPG2 is on the minus strand). VCF-style: chr3-101304143-T-A. GRCh37 (hg19) VCF-style: chr3-101022987-T-A.
Identifiers: ClinVar variation 1025772 (VCV001025772.8), dbSNP rs1451982555, ClinGen allele CA545050655.